The following is an entry in ClinVar:

ClinVar aggregate classification (germline): Uncertain significance (1 of 4 stars; one submission).

Conditions:
Inborn genetic diseases. Identifiers: MedGen C0950123, MeSH D030342.

Submission:

Ambry Genetics
Classification: Uncertain significance for Inborn genetic diseases. Last evaluated: 2024-05-13. Review status: criteria provided, single submitter. Criteria: Ambry Variant Classification Scheme 2023. Collection method: clinical testing. Allele origin: germline.
Comment: The c.551delA (p.K184Rfs*8) alteration, located in exon 6 (coding exon 5) of the HDAC4 gene, consists of a deletion of one nucleotide at position 551, causing a translational frameshift with a predicted alternate stop codon after 8 amino acids. This alteration is expected to result in premature protein truncation or nonsense-mediated mRNA decay. However, loss of function of HDAC4 has not been established as a mechanism of disease. This variant was not reported in population-based cohorts in the Genome Aggregation Database (gnomAD). Based on insufficient or conflicting evidence, the clinical significance of this alteration remains unclear.

NM_001378414.1(HDAC4):c.551del (p.Lys184fs)

Gene: HDAC4 (histone deacetylase 4; minus strand). Cytogenetic location: 2q37.3.
Variant type: Deletion.
Coding change: c.551del on transcript NM_001378414.1 (MANE Select); coding-DNA position 551, one base deleted (A; older notation c.551delA).
Protein change: p.Lys184fs; shifts the reading frame from lysine 184.
Molecular consequence: frameshift variant.
Genome position (GRCh38, 1-based): chr2:239,163,863, T deleted on the plus strand (A on the coding strand, the reverse complement: HDAC4 is on the minus strand); the first of 2 consecutive T bases (chr2:239,163,863-239,163,864); deleting either gives the same sequence. VCF-style (leftmost placement, unchanged base first): chr2-239163862-CT-C. GRCh37 (hg19) VCF-style: chr2-240085558-CT-C.
Other names: c.551del, p.Lys184fs (NM_001378417.1, NM_006037.4, NM_001378415.1 and 1 more transcripts); short protein forms K184fs.
Identifiers: ClinVar variation 3283689 (VCV003283689.1).